The following is an entry in ClinVar:

NM_025074.7(FRAS1):c.6622C>T (p.Leu2208=)

Gene: FRAS1 (Fraser extracellular matrix complex subunit 1; plus strand). Cytogenetic location: 4q21.21.
Variant type: single nucleotide variant.
Coding change: c.6622C>T on transcript NM_025074.7 (MANE Select); coding-DNA position 6622, C replaced by T.
Protein change: p.Leu2208=; no amino-acid change (leucine 2208 retained).
Molecular consequence: synonymous variant.
Genome position (GRCh38, 1-based): chr4:78,452,213, C>T. VCF-style: chr4-78452213-C-T. GRCh37 (hg19) VCF-style: chr4-79373367-C-T.
Identifiers: ClinVar variation 349738 (VCV000349738.10), dbSNP rs373744776, ClinGen allele CA2977843.
Genomic context (GRCh38, chr4:78,452,213, plus strand): 5'-TCACTATTTCTGATATTTTCAGAAGACAAATCCCCACCAGTCATCACCACCAATAAAGGA[C>T]TGGTCTTGGATGAAAACTCAGTGAAGAAAATCACCACCCTGCAGCTGTCTGCCACTGACC-3'
Protein context (NP_079350.5, residues 2198-2218): SPPVITTNKG[Leu2208=]VLDENSVKKI

ClinVar aggregate classification (germline): Conflicting classifications of pathogenicity. Review status: criteria provided, conflicting classifications (1 of 4 stars). 3 submissions from 3 submitters: Uncertain significance (1); Likely benign (1). 1 of the submissions does not count toward it. Last evaluated 2026-01-20.

Conditions:
FRAS1-related disorder. Also called: FRAS1-related condition.
Fraser syndrome 1 (FRASRS1). Also called: CRYPTOPHTHALMOS WITH OTHER MALFORMATIONS. Identifiers: Orphanet 2052, MedGen C4551480, MONDO:0054737, OMIM 219000.

Allele frequency attached by ClinVar (database versions not stated): TOPMed 0.00005; gnomAD 0.00006 and 0.00008; gnomAD exomes 0.00006 and 0.00009; ESP Exome Variant Server 0.00008; ExAC 0.00011.

Submissions (3):

Labcorp Genetics (formerly Invitae), Labcorp
Classification: Likely benign. Last evaluated: 2026-01-20. Review status: criteria provided, single submitter. Criteria: Invitae Variant Classification Sherloc (09022015). Collection method: clinical testing. Allele origin: germline.

Illumina Laboratory Services, Illumina
Classification: Uncertain significance for Fraser syndrome 1. Last evaluated: 2018-01-12. Review status: criteria provided, single submitter. Criteria: ICSL Variant Classification Criteria 13 December 2019. Collection method: clinical testing. Allele origin: germline.

PreventionGenetics, part of Exact Sciences
Classification: Likely benign for FRAS1-related condition. Last evaluated: 2024-04-08. Review status: no assertion criteria provided. Collection method: clinical testing. Allele origin: germline. Not counted in ClinVar's aggregate classification.
Comment: This variant is classified as likely benign based on ACMG/AMP sequence variant interpretation guidelines (Richards et al. 2015 PMID: 25741868, with internal and published modifications).